The following is an entry in ClinVar:

NM_001375524.1(TRRAP):c.2795A>G (p.Lys932Arg)

Gene: TRRAP (transformation/transcription domain associated protein; plus strand). Cytogenetic location: 7q22.1.
Variant type: single nucleotide variant.
Coding change: c.2795A>G on transcript NM_001375524.1 (MANE Select); coding-DNA position 2795, A replaced by G.
Protein change: p.Lys932Arg; replaces lysine 932 with arginine.
Molecular consequence: missense variant.
Genome position (GRCh38, 1-based): chr7:98,921,925, A>G. VCF-style: chr7-98921925-A-G. GRCh37 (hg19) VCF-style: chr7-98519548-A-G.
Other names: c.2795A>G, p.Lys932Arg (NM_001244580.2, NM_003496.4); short protein forms K932R.
Identifiers: ClinVar variation 3615247 (VCV003615247.2).

ClinVar aggregate classification (germline): Uncertain significance (1 of 4 stars; one submission).

gnomAD v4.1: 4 of 1,614,164 alleles (0.00025%); highest among the groups gnomAD compares: South Asian, 0.0022%; no homozygotes.

Submission:

Labcorp Genetics (formerly Invitae), Labcorp
Classification: Uncertain significance. Last evaluated: 2024-02-19. Review status: criteria provided, single submitter. Criteria: Invitae Variant Classification Sherloc (09022015). Collection method: clinical testing. Allele origin: germline.
Comment: This sequence change replaces lysine, which is basic and polar, with arginine, which is basic and polar, at codon 932 of the TRRAP protein (p.Lys932Arg). This variant is present in population databases (rs782779237, gnomAD 0.006%). This variant has not been reported in the literature in individuals affected with TRRAP-related conditions. Advanced modeling of protein sequence and biophysical properties (such as structural, functional, and spatial information, amino acid conservation, physicochemical variation, residue mobility, and thermodynamic stability) performed at Invitae indicates that this missense variant is not expected to disrupt TRRAP protein function with a negative predictive value of 80%. In summary, the available evidence is currently insufficient to determine the role of this variant in disease. Therefore, it has been classified as a Variant of Uncertain Significance.